The following is an entry in ClinVar:

NM_000138.5(FBN1):c.433T>C (p.Cys145Arg)

Gene: FBN1 (fibrillin 1; minus strand). Cytogenetic location: 15q21.1.
Variant type: single nucleotide variant.
Coding change: c.433T>C on transcript NM_000138.5 (MANE Select); coding-DNA position 433, T replaced by C.
Protein change: p.Cys145Arg; replaces cysteine 145 with arginine.
Molecular consequence: missense variant.
Genome position (GRCh38, 1-based): chr15:48,600,148, A>G on the plus strand (T>C on the coding strand, the complement: FBN1 is on the minus strand). VCF-style: chr15-48600148-A-G. GRCh37 (hg19) VCF-style: chr15-48892345-A-G.
Other names: short protein forms C145R.
Identifiers: ClinVar variation 457211 (VCV000457211.13), dbSNP rs1555405031, ClinGen allele CA392446450.

ClinVar aggregate classification (germline): Likely pathogenic. Review status: criteria provided, multiple submitters, no conflicts (2 of 4 stars). 2 submissions from 2 submitters: Likely pathogenic (2). Last evaluated 2022-02-10.

Conditions:
Marfan syndrome (MFS). Also called: MARFAN SYNDROME, TYPE I; FBN1-Related Marfan Syndrome; Marfan syndrome type 1; Marfan's syndrome; Marfan syndrome, classic. Identifiers: Orphanet 284963, Orphanet 558, MedGen C0024796, MONDO:0007947, OMIM 154700.
Familial thoracic aortic aneurysm and aortic dissection (TAAD). Also called: Thoracic aortic aneurysms and dissections. Identifiers: Orphanet 91387, MedGen C4707243, MONDO:0019625.

Submissions (2):

Labcorp Genetics (formerly Invitae), Labcorp
Classification: Likely pathogenic for Marfan syndrome; Familial thoracic aortic aneurysm and aortic dissection. Last evaluated: 2022-02-10. Review status: criteria provided, single submitter. Criteria: Invitae Variant Classification Sherloc (09022015). Collection method: clinical testing. Allele origin: germline.
Comment: This sequence change replaces cysteine, which is neutral and slightly polar, with arginine, which is basic and polar, at codon 145 of the FBN1 protein (p.Cys145Arg). This variant is not present in population databases (gnomAD no frequency). In summary, the currently available evidence indicates that the variant is pathogenic, but additional data are needed to prove that conclusively. Therefore, this variant has been classified as Likely Pathogenic. This variant affects a cysteine residue in the EGF-like, TGFBP or hybrid motif domains of FBN1. Cysteine residues are believed to be involved in intramolecular disulfide bridges and have been shown to be important for FBN1 protein structure (PMID: 16905551, 19349279). In addition, missense substitutions affecting cysteine residues within these domains are significantly overrepresented among patients with Marfan syndrome (PMID: 16571647, 17701892). Advanced modeling of protein sequence and biophysical properties (such as structural, functional, and spatial information, amino acid conservation, physicochemical variation, residue mobility, and thermodynamic stability) performed at Invitae indicates that this missense variant is expected to disrupt FBN1 protein function. ClinVar contains an entry for this variant (Variation ID: 457211). This missense change has been observed in individual(s) with Marfan syndrome (PMID: 21895641; Invitae).

Ambry Genetics
Classification: Likely pathogenic for Familial thoracic aortic aneurysm and aortic dissection. Last evaluated: 2021-05-03. Review status: criteria provided, single submitter. Criteria: Ambry Variant Classification Scheme 2023. Collection method: clinical testing. Allele origin: germline.
Comment: The p.C145R variant (also known as c.433T>C), located in coding exon 4 of the FBN1 gene, results from a T to C substitution at nucleotide position 433. The cysteine at codon 145 is replaced by arginine, an amino acid with highly dissimilar properties, and is located in the EGF-like #02 domain. This variant was detected in a cohort of individuals reported to have symptoms of Marfan syndrome; however, clinical details were not provided (Robinson DO et al. Clin Genet. 2012;82:223-31). Another alteration affecting the same amino acid, p.C145Y (c.434G>A), was reported in a proband and a clinically affected relative from a cohort of patients with Marfan syndrome or Marfan-like phenotype (Howarth R et al. Genet Test. 2007;11:146-52). This variant was not reported in population-based cohorts in the Genome Aggregation Database (gnomAD) (Lek M et al. Nature, 2016 08;536:285-91). Internal structural assessment indicates this alteration results in loss of a structural disulfide in EGF domain 2 (Yadin DA. Structure. 2013;21(10):1743-56). Based on internal structural assessment, this alteration eliminates a structurally critical disulfide in the structurally sensitive EGF-like domain #02. The majority of FBN1 mutations identified to date have involved the substitution or generation of cysteine residues within cbEGF domains (Vollbrandt T et al. J Biol Chem. 2004;279(31):32924-32931). This amino acid position is highly conserved in available vertebrate species. In addition, this alteration is predicted to be deleterious by in silico analysis. Based on the majority of available evidence to date, this variant is likely to be pathogenic.

Literature cited by the submitters: PubMed 16905551 (cited by Labcorp Genetics (formerly Invitae), Labcorp); PubMed 19349279 (cited by Labcorp Genetics (formerly Invitae), Labcorp); PubMed 16571647 (cited by Labcorp Genetics (formerly Invitae), Labcorp); PubMed 17701892 (cited by Labcorp Genetics (formerly Invitae), Labcorp); PubMed 21895641 (cited by Labcorp Genetics (formerly Invitae), Labcorp and Ambry Genetics); PubMed 17627385 (cited by Ambry Genetics); PubMed 24035709 (cited by Ambry Genetics).